The following is an entry in ClinVar:

NM_005215.4(DCC):c.1534G>T (p.Glu512Ter)

Gene: DCC (DCC netrin 1 receptor; plus strand). Cytogenetic location: 18q21.2.
Variant type: single nucleotide variant.
Coding change: c.1534G>T on transcript NM_005215.4 (MANE Select); coding-DNA position 1534, G replaced by T.
Protein change: p.Glu512Ter; replaces glutamic acid 512 with a stop codon.
Molecular consequence: nonsense.
Genome position (GRCh38, 1-based): chr18:53,179,077, G>T. VCF-style: chr18-53179077-G-T. GRCh37 (hg19) VCF-style: chr18-50705447-G-T.
Other names: short protein forms E512*.
Identifiers: ClinVar variation 2633748 (VCV002633748.1), dbSNP rs2511800370, ClinGen allele CA402515443.

ClinVar aggregate classification (germline): Likely pathogenic (1 of 4 stars; one submission).

Conditions:
DCC-related disorder. Also called: DCC-related condition.

Submission:

PreventionGenetics, part of Exact Sciences
Classification: Likely pathogenic for DCC-related condition. Last evaluated: 2023-03-28. Review status: criteria provided, single submitter. Criteria: ACMG Guidelines, 2015. Collection method: clinical testing. Allele origin: germline.
Comment: The DCC c.1534G>T variant is predicted to result in premature protein termination (p.Glu512*). To our knowledge, this variant has not been reported in the literature or in a large population database, indicating this variant is rare. Nonsense variants in DCC are expected to be pathogenic. This variant is interpreted as likely pathogenic.